The following is an entry in ClinVar:

NM_024537.4(CARS2):c.282T>A (p.Tyr94Ter)

Gene: CARS2 (cysteinyl-tRNA synthetase 2, mitochondrial; minus strand). Cytogenetic location: 13q34.
Variant type: single nucleotide variant.
Coding change: c.282T>A on transcript NM_024537.4 (MANE Select); coding-DNA position 282, T replaced by A.
Protein change: p.Tyr94Ter; replaces tyrosine 94 with a stop codon.
Molecular consequence: nonsense. On other transcripts: 5 prime UTR variant (1), non-coding transcript variant (2).
Genome position (GRCh38, 1-based): chr13:110,701,549, A>T on the plus strand (T>A on the coding strand, the complement: CARS2 is on the minus strand). VCF-style: chr13-110701549-A-T. GRCh37 (hg19) VCF-style: chr13-111353896-A-T.
Other names: c.-718T>A (NM_001352252.2); c.282T>A, p.Tyr94Ter (NM_001352253.3); short protein forms Y94*.
Identifiers: ClinVar variation 1491229 (VCV001491229.6), dbSNP rs374089139, ClinGen allele CA388741293.

ClinVar aggregate classification (germline): Uncertain significance (1 of 4 stars; one submission).

Conditions:
Combined oxidative phosphorylation defect type 27. Also called: Combined oxidative phosphorylation deficiency 27. Identifiers: Orphanet 477774, MedGen C5567608, MONDO:0014728, OMIM 616672.

Submission:

Labcorp Genetics (formerly Invitae), Labcorp
Classification: Uncertain significance for Combined oxidative phosphorylation defect type 27. Last evaluated: 2021-10-22. Review status: criteria provided, single submitter. Criteria: Invitae Variant Classification Sherloc (09022015). Collection method: clinical testing. Allele origin: germline.
Comment: This variant is not present in population databases (ExAC no frequency). This sequence change creates a premature translational stop signal (p.Tyr94*) in the CARS2 gene. It is expected to result in an absent or disrupted protein product. However, the current clinical and genetic evidence is not sufficient to establish whether loss-of-function variants in CARS2 cause disease. This variant has not been reported in the literature in individuals affected with CARS2-related conditions. In summary, the available evidence is currently insufficient to determine the role of this variant in disease. Therefore, it has been classified as a Variant of Uncertain Significance.